The following is an entry in ClinVar:

ClinVar aggregate classification (germline): Likely benign. Review status: criteria provided, multiple submitters, no conflicts (2 of 4 stars). 3 submissions from 3 submitters: Likely benign (3). Last evaluated 2026-08-01.

Conditions:
MORC2-related disorder. Also called: MORC2-related condition.
Charcot-Marie-Tooth disease axonal type 2Z. Also called: CHARCOT-MARIE-TOOTH DISEASE, AXONAL, AUTOSOMAL DOMINANT, TYPE 2Z; CHARCOT-MARIE-TOOTH NEUROPATHY, TYPE 2Z. Identifiers: Orphanet 466768, MedGen C5569025, MONDO:0014736, OMIM 616688.

Allele frequency attached by ClinVar (database versions not stated): ExAC 0.00003; gnomAD exomes 0.00003; gnomAD 0.00004; TOPMed 0.00006.
gnomAD v4.1: 49 of 1,614,052 alleles (0.003%); highest among the groups gnomAD compares: Non-Finnish European, 0.0037%; no homozygotes.

Submissions (3):

CeGaT Center for Human Genetics Tuebingen
Classification: Likely benign. Last evaluated: 2026-08-01. Review status: criteria provided, single submitter. Criteria: CeGaT Center For Human Genetics Tuebingen Variant Classification Criteria Version 2. Collection method: clinical testing. Allele origin: germline. Affected: yes. Observed: 3 variant alleles.
Comment: MORC2: BP4, BP7

Labcorp Genetics (formerly Invitae), Labcorp
Classification: Likely benign for Charcot-Marie-Tooth disease axonal type 2Z. Last evaluated: 2025-12-19. Review status: criteria provided, single submitter. Criteria: Invitae Variant Classification Sherloc (09022015). Collection method: clinical testing. Allele origin: germline.

PreventionGenetics, part of Exact Sciences
Classification: Likely benign for MORC2-related condition. Last evaluated: 2025-07-30. Review status: criteria provided, single submitter. Criteria: ACMG Guidelines, 2015. Collection method: clinical testing. Allele origin: germline.
Comment: This variant is classified as likely benign based on ACMG/AMP sequence variant interpretation guidelines (Richards et al. 2015 PMID: 25741868, with internal and published modifications).

NM_001303256.3(MORC2):c.522G>A (p.Lys174=)

Gene: MORC2 (MORC family CW-type zinc finger 2; minus strand). Cytogenetic location: 22q12.2.
Variant type: single nucleotide variant.
Coding change: c.522G>A on transcript NM_001303256.3 (MANE Select); coding-DNA position 522, G replaced by A.
Protein change: p.Lys174=; no amino-acid change (lysine 174 retained).
Molecular consequence: synonymous variant.
Genome position (GRCh38, 1-based): chr22:30,942,176, C>T on the plus strand (G>A on the coding strand, the complement: MORC2 is on the minus strand). VCF-style: chr22-30942176-C-T. GRCh37 (hg19) VCF-style: chr22-31338163-C-T.
Other names: c.522G>A, p.Lys174= (NM_001303257.2); c.336G>A, p.Lys112= (NM_014941.3); c.522G>A (NM_001303256.2).
Identifiers: ClinVar variation 1138297 (VCV001138297.43), dbSNP rs779685773, ClinGen allele CA10187231.